The following is an entry in ClinVar:

ClinVar aggregate classification (germline): Uncertain significance (1 of 4 stars; one submission).

Allele frequency attached by ClinVar (database versions not stated): gnomAD 0.00001; gnomAD exomes 0.00002.
gnomAD v4.1: 30 of 1,614,094 alleles (0.0019%); highest among the groups gnomAD compares: Non-Finnish European, 0.00093%; no homozygotes.

Submission:

Labcorp Genetics (formerly Invitae), Labcorp
Classification: Uncertain significance. Last evaluated: 2023-07-07. Review status: criteria provided, single submitter. Criteria: Invitae Variant Classification Sherloc (09022015). Collection method: clinical testing. Allele origin: germline.
Comment: The frequency data for this variant in the population databases is considered unreliable, as metrics indicate poor data quality at this position in the gnomAD database. In summary, the available evidence is currently insufficient to determine the role of this variant in disease. Therefore, it has been classified as a Variant of Uncertain Significance. An algorithm developed to predict the effect of missense changes on protein structure and function (PolyPhen-2) suggests that this variant is likely to be tolerated. ClinVar contains an entry for this variant (Variation ID: 935770). This variant has not been reported in the literature in individuals affected with AHR-related conditions. This sequence change replaces glutamine, which is neutral and polar, with glutamic acid, which is acidic and polar, at codon 773 of the AHR protein (p.Gln773Glu).

NM_001621.5(AHR):c.2317C>G (p.Gln773Glu)

Gene: AHR (aryl hydrocarbon receptor; plus strand). Cytogenetic location: 7p21.1.
Variant type: single nucleotide variant.
Coding change: c.2317C>G on transcript NM_001621.5 (MANE Select); coding-DNA position 2317, C replaced by G.
Protein change: p.Gln773Glu; replaces glutamine 773 with glutamic acid.
Molecular consequence: missense variant.
Genome position (GRCh38, 1-based): chr7:17,340,142, C>G. VCF-style: chr7-17340142-C-G. GRCh37 (hg19) VCF-style: chr7-17379766-C-G.
Other names: short protein forms Q773E.
Identifiers: ClinVar variation 935770 (VCV000935770.9), dbSNP rs757186338, ClinGen allele CA4172265.